The following is an entry in ClinVar:

ClinVar aggregate classification (germline): Uncertain significance. Review status: criteria provided, multiple submitters, no conflicts (2 of 4 stars). 2 submissions from 2 submitters: Uncertain significance (2). Last evaluated 2025-03-03.

Conditions:
Hereditary cancer-predisposing syndrome. Also called: Hereditary Cancer Syndrome; Hereditary neoplastic syndrome; Neoplastic Syndromes, Hereditary; Tumor predisposition. Identifiers: Orphanet 140162, MedGen C0027672, MeSH D009386, MONDO:0015356.
Oligodontia-cancer predisposition syndrome. Also called: TOOTH AGENESIS-COLORECTAL CANCER SYNDROME. Identifiers: Orphanet 300576, MedGen C1837750, MONDO:0012075, OMIM 608615. Disease mechanism: loss of function.

Allele frequency attached by ClinVar (database versions not stated): gnomAD exomes below 0.00001.
gnomAD v4.1: 1 of 1,613,210 alleles (0.000062%); highest among the groups gnomAD compares: South Asian, 0.0011%; no homozygotes.

Submissions (2):

Ambry Genetics
Classification: Uncertain significance for Hereditary cancer-predisposing syndrome. Last evaluated: 2025-03-03. Review status: criteria provided, single submitter. Criteria: Ambry Variant Classification Scheme 2023. Collection method: clinical testing. Allele origin: germline.
Comment: The p.G39E variant (also known as c.116G>A), located in coding exon 1 of the AXIN2 gene, results from a G to A substitution at nucleotide position 116. The glycine at codon 39 is replaced by glutamic acid, an amino acid with similar properties. This amino acid position is highly conserved in available vertebrate species. In addition, this alteration is predicted to be tolerated by in silico analysis. Since supporting evidence is limited at this time, the clinical significance of this alteration remains unclear.

Labcorp Genetics (formerly Invitae), Labcorp
Classification: Uncertain significance for Oligodontia-cancer predisposition syndrome. Last evaluated: 2023-09-26. Review status: criteria provided, single submitter. Criteria: Invitae Variant Classification Sherloc (09022015). Collection method: clinical testing. Allele origin: germline.
Comment: In summary, the available evidence is currently insufficient to determine the role of this variant in disease. Therefore, it has been classified as a Variant of Uncertain Significance. Advanced modeling of protein sequence and biophysical properties (such as structural, functional, and spatial information, amino acid conservation, physicochemical variation, residue mobility, and thermodynamic stability) performed at Invitae indicates that this missense variant is not expected to disrupt AXIN2 protein function. ClinVar contains an entry for this variant (Variation ID: 1739221). This variant has not been reported in the literature in individuals affected with AXIN2-related conditions. This variant is not present in population databases (gnomAD no frequency). This sequence change replaces glycine, which is neutral and non-polar, with glutamic acid, which is acidic and polar, at codon 39 of the AXIN2 protein (p.Gly39Glu).

NM_004655.4(AXIN2):c.116G>A (p.Gly39Glu)

Gene: AXIN2 (axin 2; minus strand). Cytogenetic location: 17q24.1.
Variant type: single nucleotide variant.
Coding change: c.116G>A on transcript NM_004655.4 (MANE Select); coding-DNA position 116, G replaced by A.
Protein change: p.Gly39Glu; replaces glycine 39 with glutamic acid.
Molecular consequence: missense variant.
Genome position (GRCh38, 1-based): chr17:65,558,505, C>T on the plus strand (G>A on the coding strand, the complement: AXIN2 is on the minus strand). VCF-style: chr17-65558505-C-T. GRCh37 (hg19) VCF-style: chr17-63554623-C-T.
Other names: c.116G>A, p.Gly39Glu (NM_001363813.1); short protein forms G39E.
Identifiers: ClinVar variation 1739221 (VCV001739221.6), dbSNP rs2044310205, ClinGen allele CA400682138.